The following is an entry in ClinVar:

NM_005357.4(LIPE):c.1350C>T (p.Thr450=)

Genes: LIPE (lipase E, hormone sensitive type; minus strand), LIPE-AS1 (LIPE antisense RNA 1; plus strand). Cytogenetic location: 19q13.2.
Variant type: single nucleotide variant.
Coding change: c.1350C>T on transcript NM_005357.4 (MANE Select); coding-DNA position 1350, C replaced by T.
Protein change: p.Thr450=; no amino-acid change (threonine 450 retained).
Molecular consequence: synonymous variant. On other transcripts: 5 prime UTR variant (1), intron variant (1).
Genome position (GRCh38, 1-based): chr19:42,410,376, G>A on the plus strand (C>T on the coding strand, the complement: LIPE is on the minus strand). VCF-style: chr19-42410376-G-A. GRCh37 (hg19) VCF-style: chr19-42914528-G-A.
Other names: c.585C>T, p.Thr195= (NM_001416100.1, NM_001416101.1, NM_001416105.1); c.480C>T, p.Thr160= (NM_001416102.1, NM_001416106.1); c.447C>T, p.Thr149= (NM_001416103.1, NM_001416104.1); c.-450C>T (NM_001416108.1); c.61-2054C>T (NM_001416107.1).
Identifiers: ClinVar variation 4820656 (VCV004820656.5).

ClinVar aggregate classification (germline): Likely benign. Review status: criteria provided, multiple submitters, no conflicts (2 of 4 stars). 2 submissions from 2 submitters: Likely benign (2). Last evaluated 2026-03-01.

Submissions (2):

CeGaT Center for Human Genetics Tuebingen
Classification: Likely benign. Last evaluated: 2026-03-01. Review status: criteria provided, single submitter. Criteria: CeGaT Center For Human Genetics Tuebingen Variant Classification Criteria Version 2. Collection method: clinical testing. Allele origin: germline. Affected: yes. Observed: 1 variant allele.
Comment: LIPE: BP4, BP7

Blueprint Genetics
Classification: Likely benign. Last evaluated: 2024-11-17. Review status: criteria provided, single submitter. Criteria: ACMG Guidelines, 2015. Collection method: clinical testing. Allele origin: germline.